The following is an entry in ClinVar:

ClinVar aggregate classification (germline): Likely benign. Review status: criteria provided, multiple submitters, no conflicts (2 of 4 stars). 2 submissions from 2 submitters: Likely benign (2). Last evaluated 2025-11-19.

Conditions:
IMPDH1-related disorder. Also called: IMPDH1-related condition; IMPDH1-related disorders.

Allele frequency attached by ClinVar (database versions not stated): gnomAD exomes below 0.00001; gnomAD 0.00001; TOPMed 0.00001.

Submissions (2):

Labcorp Genetics (formerly Invitae), Labcorp
Classification: Likely benign. Last evaluated: 2025-11-19. Review status: criteria provided, single submitter. Criteria: Invitae Variant Classification Sherloc (09022015). Collection method: clinical testing. Allele origin: germline.

PreventionGenetics, part of Exact Sciences
Classification: Likely benign for IMPDH1-related condition. Last evaluated: 2025-06-16. Review status: criteria provided, single submitter. Criteria: ACMG Guidelines, 2015. Collection method: clinical testing. Allele origin: germline.
Comment: This variant is classified as likely benign based on ACMG/AMP sequence variant interpretation guidelines (Richards et al. 2015 PMID: 25741868, with internal and published modifications).

NM_000883.4(IMPDH1):c.1062C>T (p.Asp354=)

Gene: IMPDH1 (inosine monophosphate dehydrogenase 1; minus strand). Cytogenetic location: 7q32.1.
Variant type: single nucleotide variant.
Coding change: c.1062C>T on transcript NM_000883.4 (MANE Select); coding-DNA position 1062, C replaced by T.
Protein change: p.Asp354=; no amino-acid change (aspartic acid 354 retained).
Molecular consequence: synonymous variant.
Genome position (GRCh38, 1-based): chr7:128,398,426, G>A on the plus strand (C>T on the coding strand, the complement: IMPDH1 is on the minus strand). VCF-style: chr7-128398426-G-A. GRCh37 (hg19) VCF-style: chr7-128038480-G-A.
Other names: c.1062C>T (NM_000883.3); c.1032C>T, p.Asp344= (NM_001102605.2); c.807C>T, p.Asp269= (NM_001142573.2); c.792C>T, p.Asp264= (NM_001142574.2); c.732C>T, p.Asp244= (NM_001142575.2); c.963C>T, p.Asp321= (NM_001142576.2); c.855C>T, p.Asp285= (NM_001304521.2); c.954C>T, p.Asp318= (NM_183243.3).
Identifiers: ClinVar variation 1562543 (VCV001562543.9), dbSNP rs916033627, ClinGen allele CA166126011.